The following is an entry in ClinVar:

NM_003872.3(NRP2):c.990+4C>G

Gene: NRP2 (neuropilin 2; plus strand). Cytogenetic location: 2q33.3.
Variant type: single nucleotide variant.
Coding change: c.990+4C>G on transcript NM_003872.3 (MANE Select); 4 bases into the intron after coding-DNA position 990, C replaced by G.
Molecular consequence: intron variant.
Genome position (GRCh38, 1-based): chr2:205,726,086, C>G. VCF-style: chr2-205726086-C-G. GRCh37 (hg19) VCF-style: chr2-206590810-C-G.
Other names: c.990+4C>G (NM_201266.2, NM_201279.2, NM_018534.4 and 2 more transcripts).
Identifiers: ClinVar variation 3354597 (VCV003354597.1).

ClinVar aggregate classification (germline): Likely benign (0 of 4 stars; one submission).

Conditions:
NRP2-related disorder. Also called: NRP2-related condition.

Submission:

PreventionGenetics, part of Exact Sciences
Classification: Likely benign for NRP2-related condition. Last evaluated: 2022-02-23. Review status: no assertion criteria provided. Collection method: clinical testing. Allele origin: germline.
Comment: This variant is classified as likely benign based on ACMG/AMP sequence variant interpretation guidelines (Richards et al. 2015 PMID: 25741868, with internal and published modifications).